The following is an entry in ClinVar:

NM_006904.7(PRKDC):c.10042C>T (p.Leu3348Phe)

Gene: PRKDC (protein kinase, DNA-activated, catalytic subunit; minus strand). Cytogenetic location: 8q11.21.
Variant type: single nucleotide variant.
Coding change: c.10042C>T on transcript NM_006904.7 (MANE Select); coding-DNA position 10042, C replaced by T.
Protein change: p.Leu3348Phe; replaces leucine 3348 with phenylalanine.
Molecular consequence: missense variant.
Genome position (GRCh38, 1-based): chr8:47,800,867, G>A on the plus strand (C>T on the coding strand, the complement: PRKDC is on the minus strand). VCF-style: chr8-47800867-G-A. GRCh37 (hg19) VCF-style: chr8-48713428-G-A.
Other names: c.10042C>T, p.Leu3348Phe (NM_001081640.2); short protein forms L3348F.
Identifiers: ClinVar variation 567096 (VCV000567096.2), dbSNP rs748138643, ClinGen allele CA4739414.
Genomic context (GRCh38, chr8:47,800,867, plus strand): 5'-CTGAACTGGATCCAGAAAGCTCTAAGATTCTTCTAGCCTTGTCCTCCTCGATTTCAGCAA[G>A]GCAGGCTGGCTCACTGCTGAGAGCATTCGCTATGATCCTGTAAGTTGTACCCAAGAGAAT-3'
Protein context (NP_008835.5, residues 3338-3358): ANALSSEPAC[Leu3348Phe]AEIEEDKARR

ClinVar aggregate classification (germline): Uncertain significance (1 of 4 stars; one submission).

Conditions:
Severe combined immunodeficiency due to DNA-PKcs deficiency. Also called: IMMUNODEFICIENCY 26 WITH NEUROLOGIC ABNORMALITIES; Immunodeficiency 26 with or without neurologic abnormalities. Identifiers: Orphanet 317425, MedGen C4014833, MONDO:0014423, OMIM 615966.

Allele frequency attached by ClinVar (database versions not stated): TOPMed below 0.00001; gnomAD 0.00001; gnomAD exomes 0.00002; ExAC 0.00004.
gnomAD v4.1: 33 of 1,613,522 alleles (0.002%); highest among the groups gnomAD compares: Non-Finnish European, 0.0027%; no homozygotes.

Submission:

Labcorp Genetics (formerly Invitae), Labcorp
Classification: Uncertain significance for Severe combined immunodeficiency due to DNA-PKcs deficiency. Last evaluated: 2023-08-30. Review status: criteria provided, single submitter. Criteria: Invitae Variant Classification Sherloc (09022015). Collection method: clinical testing. Allele origin: germline.
Comment: This sequence change replaces leucine, which is neutral and non-polar, with phenylalanine, which is neutral and non-polar, at codon 3348 of the PRKDC protein (p.Leu3348Phe). This variant is present in population databases (rs748138643, gnomAD 0.004%). This variant has not been reported in the literature in individuals affected with PRKDC-related conditions. ClinVar contains an entry for this variant (Variation ID: 567096). Advanced modeling of protein sequence and biophysical properties (such as structural, functional, and spatial information, amino acid conservation, physicochemical variation, residue mobility, and thermodynamic stability) performed at Invitae indicates that this missense variant is expected to disrupt PRKDC protein function. In summary, the available evidence is currently insufficient to determine the role of this variant in disease. Therefore, it has been classified as a Variant of Uncertain Significance.